The following is an entry in ClinVar:

ClinVar aggregate classification (germline): Uncertain significance (1 of 4 stars; one submission).

Conditions:
Inborn genetic diseases. Identifiers: MedGen C0950123, MeSH D030342.

Submission:

Ambry Genetics
Classification: Uncertain significance for Inborn genetic diseases. Last evaluated: 2023-12-31. Review status: criteria provided, single submitter. Criteria: Ambry Variant Classification Scheme 2023. Collection method: clinical testing. Allele origin: germline.
Comment: The p.A461S variant (also known as c.1381G>T), located in coding exon 7 of the SERPING1 gene, results from a G to T substitution at nucleotide position 1381. The alanine at codon 461 is replaced by serine, an amino acid with similar properties. This amino acid position is conserved. In addition, this alteration is predicted to be tolerated by in silico analysis. Since supporting evidence is limited at this time, the clinical significance of this alteration remains unclear.

NM_000062.3(SERPING1):c.1381G>T (p.Ala461Ser)

Gene: SERPING1 (serpin family G member 1; plus strand). Cytogenetic location: 11q12.1.
Variant type: single nucleotide variant.
Coding change: c.1381G>T on transcript NM_000062.3 (MANE Select); coding-DNA position 1381, G replaced by T.
Protein change: p.Ala461Ser; replaces alanine 461 with serine.
Molecular consequence: missense variant.
Genome position (GRCh38, 1-based): chr11:57,614,459, G>T. VCF-style: chr11-57614459-G-T. GRCh37 (hg19) VCF-style: chr11-57381932-G-T.
Other names: c.1381G>T, p.Ala461Ser (NM_001032295.2); short protein forms A461S.
Identifiers: ClinVar variation 3230223 (VCV003230223.1), dbSNP rs774928269, ClinGen allele CA380690713.